The following is an entry in ClinVar:

ClinVar aggregate classification (germline): Uncertain significance. Review status: criteria provided, multiple submitters, no conflicts (2 of 4 stars). 4 submissions from 4 submitters: Uncertain significance (2). 2 of the submissions do not count toward it. Last evaluated 2024-10-31.

Conditions:
Cardiovascular phenotype. Identifiers: MedGen CN230736.
Alstrom syndrome (ALMS). Identifiers: Orphanet 64, MedGen C0268425, MONDO:0008763, OMIM 203800.

Allele frequency attached by ClinVar (database versions not stated): gnomAD 0.00001; TOPMed 0.00002.
gnomAD v4.1: 3 of 1,614,058 alleles (0.00019%); highest among the groups gnomAD compares: African/African-American, 0.004%; no homozygotes.

Submissions (4):

Ambry Genetics
Classification: Uncertain significance for Cardiovascular phenotype. Last evaluated: 2024-10-31. Review status: criteria provided, single submitter. Criteria: Ambry Variant Classification Scheme 2023. Collection method: clinical testing. Allele origin: germline.
Comment: The p.D2993Y variant (also known as c.8977G>T), located in coding exon 10 of the ALMS1 gene, results from a G to T substitution at nucleotide position 8977. The aspartic acid at codon 2993 is replaced by tyrosine, an amino acid with highly dissimilar properties. This amino acid position is well conserved in available vertebrate species. In addition, this alteration is predicted to be tolerated by in silico analysis. Since supporting evidence is limited at this time, the clinical significance of this alteration remains unclear.

Labcorp Genetics (formerly Invitae), Labcorp
Classification: Uncertain significance for Alstrom syndrome. Last evaluated: 2022-07-04. Review status: criteria provided, single submitter. Criteria: Invitae Variant Classification Sherloc (09022015). Collection method: clinical testing. Allele origin: germline.
Comment: This sequence change replaces aspartic acid, which is acidic and polar, with tyrosine, which is neutral and polar, at codon 2993 of the ALMS1 protein (p.Asp2993Tyr). This variant is not present in population databases (gnomAD no frequency). This variant has not been reported in the literature in individuals affected with ALMS1-related conditions. ClinVar contains an entry for this variant (Variation ID: 550165). Experimental studies and prediction algorithms are not available or were not evaluated, and the functional significance of this variant is currently unknown. In summary, the available evidence is currently insufficient to determine the role of this variant in disease. Therefore, it has been classified as a Variant of Uncertain Significance.

Natera, Inc.
Classification: Uncertain significance for Alstrom syndrome. Last evaluated: 2020-08-14. Review status: no assertion criteria provided. Collection method: clinical testing. Allele origin: germline. Not counted in ClinVar's aggregate classification.

Counsyl
Classification: Uncertain significance for Alstrom syndrome. Last evaluated: 2017-01-09. Review status: no assertion criteria provided. Collection method: clinical testing. Allele origin: unknown. Not counted in ClinVar's aggregate classification.

NM_001378454.1(ALMS1):c.8974G>T (p.Asp2992Tyr)

Gene: ALMS1 (ALMS1 centrosome and basal body associated protein; plus strand). Cytogenetic location: 2p13.1.
Variant type: single nucleotide variant.
Coding change: c.8974G>T on transcript NM_001378454.1 (MANE Select); coding-DNA position 8974, G replaced by T.
Protein change: p.Asp2992Tyr; replaces aspartic acid 2992 with tyrosine.
Molecular consequence: missense variant.
Genome position (GRCh38, 1-based): chr2:73,490,933, G>T. VCF-style: chr2-73490933-G-T. GRCh37 (hg19) VCF-style: chr2-73718060-G-T.
Other names: c.8977G>T, p.Asp2993Tyr (NM_015120.4); short protein forms D2993Y, D2992Y.
Identifiers: ClinVar variation 550165 (VCV000550165.9), dbSNP rs937731506, ClinGen allele CA50379765.